The following is an entry in ClinVar:

ClinVar aggregate classification (germline): Uncertain significance (1 of 4 stars; one submission).

Conditions:
Developmental and epileptic encephalopathy, 53. Also called: Epileptic encephalopathy, early infantile, 53. Identifiers: MedGen C4479313, MONDO:0033362, OMIM 617389.
Early-onset Parkinson disease 20. Also called: PARKINSON DISEASE 20, AUTOSOMAL RECESSIVE EARLY-ONSET. Identifiers: Orphanet 391411, MedGen C3809824, MONDO:0014233, OMIM 615530.

Allele frequency attached by ClinVar (database versions not stated): gnomAD exomes below 0.00001; gnomAD 0.00001; TOPMed 0.00001.
gnomAD v4.1: 2 of 1,603,640 alleles (0.00012%); highest among the groups gnomAD compares: Non-Finnish European, 0.00017%; no homozygotes.

Submission:

Labcorp Genetics (formerly Invitae), Labcorp
Classification: Uncertain significance for Developmental and epileptic encephalopathy, 53; Early-onset Parkinson disease 20. Last evaluated: 2022-02-28. Review status: criteria provided, single submitter. Criteria: Invitae Variant Classification Sherloc (09022015). Collection method: clinical testing. Allele origin: germline.
Comment: This sequence change replaces valine, which is neutral and non-polar, with isoleucine, which is neutral and non-polar, at codon 410 of the SYNJ1 protein (p.Val410Ile). This variant is not present in population databases (gnomAD no frequency). This variant has not been reported in the literature in individuals affected with SYNJ1-related conditions. Algorithms developed to predict the effect of missense changes on protein structure and function (SIFT, PolyPhen-2, Align-GVGD) all suggest that this variant is likely to be tolerated. In summary, the available evidence is currently insufficient to determine the role of this variant in disease. Therefore, it has been classified as a Variant of Uncertain Significance.

NM_203446.3(SYNJ1):c.1111G>A (p.Val371Ile)

Gene: SYNJ1 (synaptojanin 1; minus strand). Cytogenetic location: 21q22.11.
Variant type: single nucleotide variant.
Coding change: c.1111G>A on transcript NM_203446.3 (MANE Select); coding-DNA position 1111, G replaced by A.
Protein change: p.Val371Ile; replaces valine 371 with isoleucine.
Molecular consequence: missense variant.
Genome position (GRCh38, 1-based): chr21:32,685,755, C>T on the plus strand (G>A on the coding strand, the complement: SYNJ1 is on the minus strand). VCF-style: chr21-32685755-C-T. GRCh37 (hg19) VCF-style: chr21-34058065-C-T.
Other names: c.1111G>A, p.Val371Ile (NM_001160302.2, NM_001160306.2); c.1228G>A, p.Val410Ile (NM_003895.4); short protein forms V371I, V410I.
Identifiers: ClinVar variation 1918964 (VCV001918964.2), dbSNP rs1204873486, ClinGen allele CA410092077.